The following is an entry in ClinVar:

NM_182914.3(SYNE2):c.3416C>G (p.Ser1139Cys)

Gene: SYNE2 (spectrin repeat containing nuclear envelope protein 2; plus strand). Cytogenetic location: 14q23.2.
Variant type: single nucleotide variant.
Coding change: c.3416C>G on transcript NM_182914.3 (MANE Select); coding-DNA position 3416, C replaced by G.
Protein change: p.Ser1139Cys; replaces serine 1139 with cysteine.
Molecular consequence: missense variant.
Genome position (GRCh38, 1-based): chr14:63,998,976, C>G. VCF-style: chr14-63998976-C-G. GRCh37 (hg19) VCF-style: chr14-64465694-C-G.
Other names: c.3416C>G, p.Ser1139Cys (NM_015180.6); short protein forms S1139C.
Identifiers: ClinVar variation 4760392 (VCV004760392.1).

ClinVar aggregate classification (germline): Uncertain significance (1 of 4 stars; one submission).

Conditions:
Emery-Dreifuss muscular dystrophy 5, autosomal dominant (EDMD5). Also called: EMERY-DREIFUSS MUSCULAR DYSTROPHY 5. Identifiers: Orphanet 261, MedGen C2751805, MONDO:0013072, OMIM 612999.

gnomAD v4.1: 2 of 1,614,054 alleles (0.00012%); highest among the groups gnomAD compares: Admixed American, 0.0033%; no homozygotes.

Submission:

Labcorp Genetics (formerly Invitae), Labcorp
Classification: Uncertain significance for Emery-Dreifuss muscular dystrophy 5, autosomal dominant. Last evaluated: 2025-06-09. Review status: criteria provided, single submitter. Criteria: Invitae Variant Classification Sherloc (09022015). Collection method: clinical testing. Allele origin: germline.
Comment: This sequence change replaces serine, which is neutral and polar, with cysteine, which is neutral and slightly polar, at codon 1139 of the SYNE2 protein (p.Ser1139Cys). This variant is not present in population databases (gnomAD no frequency). This variant has not been reported in the literature in individuals affected with SYNE2-related conditions. An algorithm developed to predict the effect of missense changes on protein structure and function (PolyPhen-2) suggests that this variant is likely to be disruptive. In summary, the available evidence is currently insufficient to determine the role of this variant in disease. Therefore, it has been classified as a Variant of Uncertain Significance.